The following is an entry in ClinVar:

NM_001098816.3(TENM4):c.3586G>T (p.Val1196Leu)

Gene: TENM4 (teneurin transmembrane protein 4; minus strand). Cytogenetic location: 11q14.1.
Variant type: single nucleotide variant.
Coding change: c.3586G>T on transcript NM_001098816.3 (MANE Select); coding-DNA position 3586, G replaced by T.
Protein change: p.Val1196Leu; replaces valine 1196 with leucine.
Molecular consequence: missense variant.
Genome position (GRCh38, 1-based): chr11:78,722,882, C>A on the plus strand (G>T on the coding strand, the complement: TENM4 is on the minus strand). VCF-style: chr11-78722882-C-A. GRCh37 (hg19) VCF-style: chr11-78433927-C-A.
Other names: short protein forms V1196L.
Identifiers: ClinVar variation 2642221 (VCV002642221.24), dbSNP rs200612048, ClinGen allele CA6207012.

ClinVar aggregate classification (germline): Benign (1 of 4 stars; one submission).

Allele frequency attached by ClinVar (database versions not stated): 1000 Genomes Project 30x 0.00016; ESP Exome Variant Server 0.00016; gnomAD 0.00019; 1000 Genomes Project 0.00020.
gnomAD v4.1: 209 of 1,614,048 alleles (0.013%); highest among the groups gnomAD compares: Middle Eastern, 0.13%; no homozygotes.

Submission:

CeGaT Center for Human Genetics Tuebingen
Classification: Benign. Last evaluated: 2022-09-01. Review status: criteria provided, single submitter. Criteria: CeGaT Center For Human Genetics Tuebingen Variant Classification Criteria Version 2. Collection method: clinical testing. Allele origin: germline. Affected: yes. Observed: 1 variant allele.
Comment: TENM4: BS1, BS2